The following is an entry in ClinVar:

ClinVar aggregate classification (germline): Uncertain significance (1 of 4 stars; one submission).

gnomAD v4.1: 67 of 1,614,068 alleles (0.0042%); highest among the groups gnomAD compares: Non-Finnish European, 0.0052%; no homozygotes.

Submission:

Labcorp Genetics (formerly Invitae), Labcorp
Classification: Uncertain significance. Last evaluated: 2024-04-24. Review status: criteria provided, single submitter. Criteria: Invitae Variant Classification Sherloc (09022015). Collection method: clinical testing. Allele origin: germline.
Comment: This sequence change replaces arginine, which is basic and polar, with glutamine, which is neutral and polar, at codon 1120 of the TCF20 protein (p.Arg1120Gln). This variant is present in population databases (rs142211574, gnomAD 0.02%). This variant has not been reported in the literature in individuals affected with TCF20-related conditions. An algorithm developed to predict the effect of missense changes on protein structure and function (PolyPhen-2) suggests that this variant is likely to be tolerated. In summary, the available evidence is currently insufficient to determine the role of this variant in disease. Therefore, it has been classified as a Variant of Uncertain Significance.

NM_001378418.1(TCF20):c.3359G>A (p.Arg1120Gln)

Gene: TCF20 (transcription factor 20; minus strand). Cytogenetic location: 22q13.2.
Variant type: single nucleotide variant.
Coding change: c.3359G>A on transcript NM_001378418.1 (MANE Select); coding-DNA position 3359, G replaced by A.
Protein change: p.Arg1120Gln; replaces arginine 1120 with glutamine.
Molecular consequence: missense variant.
Genome position (GRCh38, 1-based): chr22:42,211,947, C>T on the plus strand (G>A on the coding strand, the complement: TCF20 is on the minus strand). VCF-style: chr22-42211947-C-T. GRCh37 (hg19) VCF-style: chr22-42607953-C-T.
Other names: c.3359G>A, p.Arg1120Gln (NM_005650.4, NM_181492.3); short protein forms R1120Q.
Identifiers: ClinVar variation 3705715 (VCV003705715.2).